The following is an entry in ClinVar:

ClinVar aggregate classification (germline): Uncertain significance. Review status: criteria provided, multiple submitters, no conflicts (2 of 4 stars). 2 submissions from 2 submitters: Uncertain significance (2). Last evaluated 2023-12-15.

Allele frequency attached by ClinVar (database versions not stated): gnomAD 0.00003; gnomAD exomes 0.00004 and 0.00008; TOPMed 0.00006; ExAC 0.00007; ESP Exome Variant Server 0.00008.
gnomAD v4.1: 123 of 1,613,936 alleles (0.0076%); highest among the groups gnomAD compares: Middle Eastern, 0.016%; no homozygotes.

Submissions (2):

Ambry Genetics
Classification: Uncertain significance. Last evaluated: 2023-12-15. Review status: criteria provided, single submitter. Criteria: Ambry Variant Classification Scheme 2023. Collection method: clinical testing. Allele origin: germline.

Labcorp Genetics (formerly Invitae), Labcorp
Classification: Uncertain significance. Last evaluated: 2022-09-06. Review status: criteria provided, single submitter. Criteria: Invitae Variant Classification Sherloc (09022015). Collection method: clinical testing. Allele origin: germline.
Comment: In summary, the available evidence is currently insufficient to determine the role of this variant in disease. Therefore, it has been classified as a Variant of Uncertain Significance. Algorithms developed to predict the effect of missense changes on protein structure and function are either unavailable or do not agree on the potential impact of this missense change (SIFT: "Deleterious"; PolyPhen-2: "Probably Damaging"; Align-GVGD: "Class C0"). ClinVar contains an entry for this variant (Variation ID: 970056). This missense change has been observed in individual(s) with retinitis pigmentosa (Invitae). This variant is present in population databases (rs370447874, gnomAD 0.008%). This sequence change replaces alanine, which is neutral and non-polar, with threonine, which is neutral and polar, at codon 245 of the CLCC1 protein (p.Ala245Thr).

NM_001377458.1(CLCC1):c.733G>A (p.Ala245Thr)

Gene: CLCC1 (chloride channel CLIC like 1; minus strand). Cytogenetic location: 1p13.3.
Variant type: single nucleotide variant.
Coding change: c.733G>A on transcript NM_001377458.1 (MANE Select); coding-DNA position 733, G replaced by A.
Protein change: p.Ala245Thr; replaces alanine 245 with threonine.
Molecular consequence: missense variant. On other transcripts: non-coding transcript variant (1), intron variant (1).
Genome position (GRCh38, 1-based): chr1:108,941,468, C>T on the plus strand (G>A on the coding strand, the complement: CLCC1 is on the minus strand). VCF-style: chr1-108941468-C-T. GRCh37 (hg19) VCF-style: chr1-109484090-C-T.
Other names: c.733G>A, p.Ala245Thr (NM_001048210.3, NM_001377459.1, NM_001377460.1 and 8 more transcripts); c.370G>A, p.Ala124Thr (NM_001278202.2); c.631G>A, p.Ala211Thr (NM_001377469.1); c.442G>A, p.Ala148Thr (NM_001377470.1); c.583G>A, p.Ala195Thr (NM_015127.5); c.340-1686G>A (NM_001278203.1); c.733G>A (NM_001048210.1); short protein forms A148T, A195T, A211T, A124T, A245T.
Identifiers: ClinVar variation 970056 (VCV000970056.8), dbSNP rs370447874, ClinGen allele CA983523.